The following is an entry in ClinVar:

ClinVar aggregate classification (germline): Uncertain significance (1 of 4 stars; one submission).

Conditions:
Generalized epilepsy-paroxysmal dyskinesia syndrome (PNKD3). Also called: Generalized epilepsy and paroxysmal dyskinesia; Paroxysmal nonkinesigenic dyskinesia, 3, with or without generalized epilepsy. Identifiers: Orphanet 79137, MedGen C5574945, MONDO:0012276, OMIM 609446.

Submission:

Labcorp Genetics (formerly Invitae), Labcorp
Classification: Uncertain significance for Generalized epilepsy-paroxysmal dyskinesia syndrome. Last evaluated: 2025-02-24. Review status: criteria provided, single submitter. Criteria: Invitae Variant Classification Sherloc (09022015). Collection method: clinical testing. Allele origin: germline.
Comment: This variant, c.48_56del, results in the deletion of 3 amino acid(s) of the KCNMA1 protein (p.Gly18_Gly20del), but otherwise preserves the integrity of the reading frame. The frequency data for this variant in the population databases is considered unreliable, as metrics indicate poor data quality at this position in the gnomAD database. This variant has not been reported in the literature in individuals affected with KCNMA1-related conditions. ClinVar contains an entry for this variant (Variation ID: 640835). Experimental studies and prediction algorithms are not available or were not evaluated, and the functional significance of this variant is currently unknown. In summary, the available evidence is currently insufficient to determine the role of this variant in disease. Therefore, it has been classified as a Variant of Uncertain Significance.

NM_001161352.2(KCNMA1):c.36CGG[4] (p.Gly18_Gly20del)

Gene: KCNMA1 (potassium calcium-activated channel subfamily M alpha 1; minus strand). Cytogenetic location: 10q22.3.
Variant type: Microsatellite.
Coding change: c.36CGG[4] on transcript NM_001161352.2 (MANE Select); four copies in a row of the 3-base unit CGG starting at c.36; the reference has seven copies in a row; three copies, 9 bases deleted.
Protein change: p.Gly18_Gly20del.
Molecular consequence: inframe deletion.
Genome position (GRCh38, 1-based): chr10:77,637,587-77,637,595, CCGCCGCCG deleted on the plus strand (CGGCGGCGG on the coding strand, the reverse complement: KCNMA1 is on the minus strand); deleting any 9 consecutive bases within chr10:77,637,587-77,637,608 gives the same sequence; the position shown is the placement nearest the transcript's 3' end. VCF-style (leftmost placement, unchanged base first): chr10-77637586-TCCGCCGCCG-T. GRCh37 (hg19) VCF-style: chr10-79397344-TCCGCCGCCG-T.
Other names: c.36CGG[4], p.Gly18_Gly20del (NM_001014797.3, NM_001161353.2, NM_001271518.2 and 12 more transcripts); c.48_56del (NM_002247.3).
Identifiers: ClinVar variation 640835 (VCV000640835.11), dbSNP rs760628050, ClinGen allele CA5568818.
Genomic context (GRCh38, chr10:77,637,586, plus strand): 5'-GGACGCGTCTAGGCTGAGATGGTTCGCGTGGATATTGCTACTCATTCTAAGACTGCTGCC[TCCGCCGCCG>T]CCGCCGCCGCCGCTGCTGCCGCCGCCGCCGCCGCCACCATTTGCCATAGCTAGCAACGGG-3'